The following is an entry in ClinVar:

NM_001267550.2(TTN):c.51570T>G (p.Gly17190=)

Genes: TTN (titin; minus strand), TTN-AS1 (TTN antisense RNA 1; plus strand). Cytogenetic location: 2q31.2.
Variant type: single nucleotide variant.
Coding change: c.51570T>G on transcript NM_001267550.2 (MANE Select); coding-DNA position 51570, T replaced by G.
Protein change: p.Gly17190=; no amino-acid change (glycine 17190 retained).
Molecular consequence: synonymous variant.
Genome position (GRCh38, 1-based): chr2:178,609,853, A>C on the plus strand (T>G on the coding strand, the complement: TTN is on the minus strand). VCF-style: chr2-178609853-A-C. GRCh37 (hg19) VCF-style: chr2-179474580-A-C.
Other names: c.43866T>G, p.Gly14622= (NM_133378.4); c.46647T>G, p.Gly15549= (NM_001256850.1); c.24375T>G, p.Gly8125= (NM_003319.4); c.24750T>G, p.Gly8250= (NM_133432.3); c.24951T>G, p.Gly8317= (NM_133437.4).
Identifiers: ClinVar variation 228106 (VCV000228106.17), dbSNP rs876657607, ClinGen allele CA10576517.
Genomic context (GRCh38, chr2:178,609,853, plus strand): 5'-TTTTGCTGTATAGGTCAGGATTGGTACCAGGTGTTCATTGCATCTCTTCCACCTTTCTTC[A>C]CCCTTAGCAATCTTCTCTATGATGTAGCCCATTATCTTGCTCCCTCCATCATACAAAGGT-3'
Protein context (NP_001254479.2, residues 17180-17200): MGYIIEKIAK[Gly17190=]EERWKRCNEH

ClinVar aggregate classification (germline): Likely benign. Review status: criteria provided, multiple submitters, no conflicts (2 of 4 stars). 4 submissions from 4 submitters: Likely benign (4). Last evaluated 2025-11-03.

Conditions:
Autosomal recessive limb-girdle muscular dystrophy type 2J (LGMDR10). Also called: MUSCULAR DYSTROPHY, LIMB-GIRDLE, AUTOSOMAL RECESSIVE 10; Limb-girdle muscular dystrophy, type 2J. Identifiers: Orphanet 140922, MedGen C1837342, MONDO:0012127, OMIM 608807.
Dilated cardiomyopathy 1G (CMD1G). Identifiers: Orphanet 154, MedGen C1858763, MONDO:0011400, OMIM 604145.
Cardiovascular phenotype. Identifiers: MedGen CN230736.
Tibial muscular dystrophy (TMD). Also called: Udd Distal Myopathy – Tibial Muscular Dystrophy; UDD MYOPATHY; Tibial muscular dystrophy, tardive. Identifiers: Orphanet 609, MedGen C1838244, MONDO:0010870, OMIM 600334.
Early-onset myopathy with fatal cardiomyopathy (CMYO5). Also called: CONGENITAL MYOPATHY 5 WITH CARDIOMYOPATHY; Salih Myopathy. Identifiers: Orphanet 289377, MedGen C2673677, MONDO:0012714, OMIM 611705. Disease mechanism: loss of function.
Myopathy, myofibrillar, 9, with early respiratory failure (MFM9). Also called: EDSTROM MYOPATHY; MYOPATHY, PROXIMAL, WITH EARLY RESPIRATORY MUSCLE INVOLVEMENT; Hereditary myopathy with early respiratory failure; Myopathy, distal, with early respiratory failure, autosomal dominant. Identifiers: Orphanet 178464, Orphanet 34521, MedGen C1863599, MONDO:0011362, OMIM 603689.
Hypertrophic cardiomyopathy 9. Also called: Familial hypertrophic cardiomyopathy 9. Identifiers: MedGen C1861065, MONDO:0013412, OMIM 613765.

Allele frequency attached by ClinVar (database versions not stated): gnomAD 0.00001; TOPMed 0.00002.
gnomAD v4.1: 1 of 1,612,618 alleles (0.000062%); highest among the groups gnomAD compares: Admixed American, 0.0017%; no homozygotes.

Submissions (4):

Labcorp Genetics (formerly Invitae), Labcorp
Classification: Likely benign for Dilated cardiomyopathy 1G; Autosomal recessive limb-girdle muscular dystrophy type 2J. Last evaluated: 2025-11-03. Review status: criteria provided, single submitter. Criteria: Invitae Variant Classification Sherloc (09022015). Collection method: clinical testing. Allele origin: germline.

Ambry Genetics
Classification: Likely benign for Cardiovascular phenotype. Last evaluated: 2022-12-25. Review status: criteria provided, single submitter. Criteria: Ambry Variant Classification Scheme 2023. Collection method: clinical testing. Allele origin: germline.

Fulgent Genetics
Classification: Likely benign for Tibial muscular dystrophy; Myopathy, myofibrillar, 9, with early respiratory failure; Dilated cardiomyopathy 1G; Autosomal recessive limb-girdle muscular dystrophy type 2J; Early-onset myopathy with fatal cardiomyopathy; Hypertrophic cardiomyopathy 9. Last evaluated: 2021-10-19. Review status: criteria provided, single submitter. Criteria: ACMG Guidelines, 2015. Collection method: clinical testing. Allele origin: unknown.

Laboratory for Molecular Medicine, Mass General Brigham Personalized Medicine
Classification: Likely benign. Last evaluated: 2015-04-15. Review status: criteria provided, single submitter. Criteria: LMM Criteria. Collection method: clinical testing. Allele origin: germline. Observed: 1 variant allele.
Comment: p.Gly14622Gly in exon 221 of TTN: This variant is not expected to have clinical significance because it does not alter an amino acid residue and is not located within the splice consensus sequence.